The following is an entry in ClinVar:

NM_022464.5(SIL1):c.195_217del (p.Glu65fs)

Gene: SIL1 (SIL1 nucleotide exchange factor; minus strand). Cytogenetic location: 5q31.2.
Variant type: Deletion.
Coding change: c.195_217del on transcript NM_022464.5 (MANE Select); coding-DNA positions 195 to 217, 23 bases deleted (AGTCCTGGAGGTGTTCCACCCGA).
Protein change: p.Glu65fs; shifts the reading frame from glutamic acid 65.
Molecular consequence: frameshift variant.
Genome position (GRCh38, 1-based): chr5:139,121,062-139,121,084, TCGGGTGGAACACCTCCAGGACT deleted on the plus strand (AGTCCTGGAGGTGTTCCACCCGA on the coding strand, the reverse complement: SIL1 is on the minus strand); deleting any 23 consecutive bases within chr5:139,121,062-139,121,088 gives the same sequence; the c. name uses the placement nearest the transcript's 3' end. VCF-style (leftmost placement, unchanged base first): chr5-139121061-GTCGGGTGGAACACCTCCAGGACT-G. GRCh37 (hg19) VCF-style: chr5-138456750-GTCGGGTGGAACACCTCCAGGACT-G.
Other names: c.195_217del, p.Glu65fs (NM_001037633.2); short protein forms E65fs.
Identifiers: ClinVar variation 2022678 (VCV002022678.4), dbSNP rs2546421757, ClinGen allele CA2580072905.

ClinVar aggregate classification (germline): Pathogenic (1 of 4 stars; one submission).

Conditions:
Marinesco-Sjögren syndrome (MSS). Also called: Marinesco-Sjogren Syndrome; Marinesco-SjÃ¶gren syndrome. Identifiers: Orphanet 559, MedGen C0024814, MONDO:0009567, OMIM 248800.

Submission:

Labcorp Genetics (formerly Invitae), Labcorp
Classification: Pathogenic for Marinesco-Sjögren syndrome. Last evaluated: 2022-08-08. Review status: criteria provided, single submitter. Criteria: Invitae Variant Classification Sherloc (09022015). Collection method: clinical testing. Allele origin: germline.
Comment: For these reasons, this variant has been classified as Pathogenic. This variant has not been reported in the literature in individuals affected with SIL1-related conditions. This variant is not present in population databases (gnomAD no frequency). This sequence change creates a premature translational stop signal (p.Glu65Aspfs*3) in the SIL1 gene. It is expected to result in an absent or disrupted protein product. Loss-of-function variants in SIL1 are known to be pathogenic (PMID: 16282977, 24176978).

Literature cited by the submitters: PubMed 16282977; PubMed 24176978.